The following is an entry in ClinVar:

ClinVar aggregate classification (germline): Uncertain significance (1 of 4 stars; one submission).

Conditions:
Catecholaminergic polymorphic ventricular tachycardia 1. Also called: VENTRICULAR TACHYCARDIA, CATECHOLAMINERGIC POLYMORPHIC, 1, WITH OR WITHOUT ATRIAL DYSFUNCTION AND/OR DILATED CARDIOMYOPATHY; RYR2-Related Catecholaminergic Polymorphic Ventricular Tachycardia; VENTRICULAR TACHYCARDIA, STRESS-INDUCED POLYMORPHIC 1. Identifiers: Orphanet 3286, MedGen C1631597, MONDO:0011484, OMIM 604772.

Allele frequency attached by ClinVar (database versions not stated): gnomAD exomes below 0.00001; ExAC 0.00001.
gnomAD v4.1: 2 of 1,613,888 alleles (0.00012%); highest among the groups gnomAD compares: Non-Finnish European, 0.00017%; no homozygotes.

Submission:

Labcorp Genetics (formerly Invitae), Labcorp
Classification: Uncertain significance for Catecholaminergic polymorphic ventricular tachycardia 1. Last evaluated: 2025-03-31. Review status: criteria provided, single submitter. Criteria: Invitae Variant Classification Sherloc (09022015). Collection method: clinical testing. Allele origin: germline.
Comment: This sequence change replaces methionine, which is neutral and non-polar, with valine, which is neutral and non-polar, at codon 317 of the RYR2 protein (p.Met317Val). This variant is present in population databases (rs754558924, gnomAD 0.0009%). This variant has not been reported in the literature in individuals affected with RYR2-related conditions. ClinVar contains an entry for this variant (Variation ID: 1503148). Invitae Evidence Modeling of protein sequence and biophysical properties (such as structural, functional, and spatial information, amino acid conservation, physicochemical variation, residue mobility, and thermodynamic stability) indicates that this missense variant is not expected to disrupt RYR2 protein function with a negative predictive value of 95%. In summary, the available evidence is currently insufficient to determine the role of this variant in disease. Therefore, it has been classified as a Variant of Uncertain Significance.

NM_001035.3(RYR2):c.949A>G (p.Met317Val)

Gene: RYR2 (ryanodine receptor 2; plus strand). Cytogenetic location: 1q43.
Variant type: single nucleotide variant.
Coding change: c.949A>G on transcript NM_001035.3 (MANE Select); coding-DNA position 949, A replaced by G.
Protein change: p.Met317Val; replaces methionine 317 with valine.
Molecular consequence: missense variant.
Genome position (GRCh38, 1-based): chr1:237,423,192, A>G. VCF-style: chr1-237423192-A-G. GRCh37 (hg19) VCF-style: chr1-237586492-A-G.
Other names: short protein forms M317V.
Identifiers: ClinVar variation 1503148 (VCV001503148.9), dbSNP rs754558924, ClinGen allele CA087907.